The following is an entry in ClinVar:

ClinVar aggregate classification (germline): Pathogenic (1 of 4 stars; one submission).

Conditions:
Cardiovascular phenotype. Identifiers: MedGen CN230736.

Submission:

Ambry Genetics
Classification: Pathogenic for Cardiovascular phenotype. Last evaluated: 2025-04-02. Review status: criteria provided, single submitter. Criteria: Ambry Variant Classification Scheme 2023. Collection method: clinical testing. Allele origin: germline.
Comment: The c.2146dupT variant, located in coding exon 16 of the DSP gene, results from a duplication of T at nucleotide position 2146, causing a translational frameshift with a predicted alternate stop codon (p.S716Ffs*6). This variant is considered to be rare based on population cohorts in the Genome Aggregation Database (gnomAD). This alteration is expected to result in loss of function by premature protein truncation or nonsense-mediated mRNA decay. As such, this alteration is interpreted as a disease-causing mutation.

NM_004415.4(DSP):c.2146dup (p.Ser716fs)

Gene: DSP (desmoplakin; plus strand). Cytogenetic location: 6p24.3.
Variant type: Duplication.
Coding change: c.2146dup on transcript NM_004415.4 (MANE Select); coding-DNA position 2146, one base duplicated (T; older notation c.2146dupT).
Protein change: p.Ser716fs; shifts the reading frame from serine 716.
Molecular consequence: frameshift variant.
Genome position (GRCh38, 1-based): chr6:7,574,101, T duplicated; the last of 2 consecutive T bases (chr6:7,574,100-7,574,101); duplicating either gives the same sequence. VCF-style (leftmost placement, unchanged base first): chr6-7574099-A-AT. GRCh37 (hg19) VCF-style: chr6-7574332-A-AT.
Other names: c.2146dup, p.Ser716fs (NM_001008844.3, NM_001319034.2); c.2146dupT (NM_004415.2); short protein forms S716fs.
Identifiers: ClinVar variation 4015087 (VCV004015087.1).
Genomic context (GRCh38, chr6:7,574,099, plus strand): 5'-TAAAAAGAATCAGCTAAATCAAAAGAGCTTTCCTTCATTTTTGACAGAGTGTGCAGAATG[A>AT]TTCACAAGCAATTGCTGAGGTTCTCAACCAGCTTAAAGATATGCTTGCCAACTTCAGAGG-3'